The following is an entry in ClinVar:

ClinVar aggregate classification (germline): Uncertain significance (1 of 4 stars; one submission).

Allele frequency attached by ClinVar (database versions not stated): ExAC 0.00002; TOPMed 0.00002; gnomAD 0.00003; gnomAD exomes 0.00003; ESP Exome Variant Server 0.00008.
gnomAD v4.1: 42 of 1,613,978 alleles (0.0026%); highest among the groups gnomAD compares: Non-Finnish European, 0.0034%; no homozygotes.

Submission:

Labcorp Genetics (formerly Invitae), Labcorp
Classification: Uncertain significance. Last evaluated: 2022-07-06. Review status: criteria provided, single submitter. Criteria: Invitae Variant Classification Sherloc (09022015). Collection method: clinical testing. Allele origin: germline.
Comment: This sequence change replaces arginine, which is basic and polar, with threonine, which is neutral and polar, at codon 345 of the MMP14 protein (p.Arg345Thr). In summary, the available evidence is currently insufficient to determine the role of this variant in disease. Therefore, it has been classified as a Variant of Uncertain Significance. Algorithms developed to predict the effect of missense changes on protein structure and function (SIFT, PolyPhen-2, Align-GVGD) all suggest that this variant is likely to be disruptive. This variant has not been reported in the literature in individuals affected with MMP14-related conditions. This variant is present in population databases (rs151330457, gnomAD 0.004%).

NM_004995.4(MMP14):c.1034G>C (p.Arg345Thr)

Gene: MMP14 (matrix metallopeptidase 14; plus strand). Cytogenetic location: 14q11.2.
Variant type: single nucleotide variant.
Coding change: c.1034G>C on transcript NM_004995.4 (MANE Select); coding-DNA position 1034, G replaced by C.
Protein change: p.Arg345Thr; replaces arginine 345 with threonine.
Molecular consequence: missense variant.
Genome position (GRCh38, 1-based): chr14:22,844,393, G>C. VCF-style: chr14-22844393-G-C. GRCh37 (hg19) VCF-style: chr14-23313602-G-C.
Other names: short protein forms R345T.
Identifiers: ClinVar variation 1903824 (VCV001903824.5), dbSNP rs151330457, ClinGen allele CA7105350.